The following is an entry in ClinVar:

NM_000070.3(CAPN3):c.2226_2240del (p.Ile742_Glu746del)

Gene: CAPN3 (calpain 3; plus strand). Cytogenetic location: 15q15.1.
Variant type: Deletion.
Coding change: c.2226_2240del on transcript NM_000070.3 (MANE Select); coding-DNA positions 2226 to 2240, 15 bases deleted (CAACAGCTACGAGAT).
Protein change: p.Ile742_Glu746del.
Molecular consequence: inframe deletion.
Genome position (GRCh38, 1-based): chr15:42,410,629-42,410,643, CAACAGCTACGAGAT deleted; deleting any 15 consecutive bases within chr15:42,410,627-42,410,643 gives the same sequence; the c. name uses the placement nearest the transcript's 3' end. VCF-style (leftmost placement, unchanged base first): chr15-42410626-CATCAACAGCTACGAG-C. GRCh37 (hg19) VCF-style: chr15-42702824-CATCAACAGCTACGAG-C.
Other names: c.2208_2222del, p.Ile736_Glu740del (NM_024344.2); c.1950_1964del, p.Ile650_Glu654del (NM_173087.2); c.690_704del, p.Ile230_Glu234del (NM_173088.2); c.231_245del, p.Ile77_Glu81del (NM_173089.2, NM_173090.2); c.*1324_*1338delCAACAGCTACGAGAT (NM_212464.2); c.*1901_*1915delCAACAGCTACGAGAT (NM_212467.2).
Identifiers: ClinVar variation 2974657 (VCV002974657.4), dbSNP rs2548293276, ClinGen allele CA2740097259.

ClinVar aggregate classification (germline): Conflicting classifications of pathogenicity. Review status: criteria provided, conflicting classifications (1 of 4 stars). 2 submissions from 2 submitters: Pathogenic (1); Uncertain significance (1). Last evaluated 2025-11-07.

Conditions:
Autosomal recessive limb-girdle muscular dystrophy type 2A (LGMDR1). Also called: Muscular dystrophy, limb-girdle, type 2A, Amish; MUSCULAR DYSTROPHY, PELVOFEMORAL; Limb-girdle muscular dystrophy, type 2A; LEYDEN-MOEBIUS MUSCULAR DYSTROPHY; Calpainopathy. Identifiers: Orphanet 267, MedGen C1869123, MONDO:0009675, OMIM 253600. Disease mechanism: loss of function.

Submissions (2):

Myriad Genetics, Inc.
Classification: Uncertain significance for Autosomal recessive limb-girdle muscular dystrophy type 2A. Last evaluated: 2025-11-07. Review status: criteria provided, single submitter. Criteria: Myriad Autosomal Dominant, Autosomal Recessive and X-Linked Classification Criteria (2023). Collection method: clinical testing. Allele origin: unknown.
Comment: NM_000070.2(CAPN3):c.2226_2240del15(I742_E746del) is an in-frame deletion classified as a variant of uncertain significance in the context of calpainopathy. I742_E746del has been observed in a case with relevant disease (PMID: 18392839). Relevant functional assessments of this variant are not available in the literature. I742_E746del has not been observed in referenced population frequency databases. In summary, there is insufficient evidence to classify NM_000070.2(CAPN3):c.2226_2240del15(I742_E746del) as pathogenic or benign. Please note: this variant was assessed in the context of healthy population screening.

Labcorp Genetics (formerly Invitae), Labcorp
Classification: Pathogenic for Autosomal recessive limb-girdle muscular dystrophy type 2A. Last evaluated: 2024-01-04. Review status: criteria provided, single submitter. Criteria: Invitae Variant Classification Sherloc (09022015). Collection method: clinical testing. Allele origin: germline.
Comment: This variant, c.2226_2240del, results in the deletion of 5 amino acid(s) of the CAPN3 protein (p.Ile742_Glu746del), but otherwise preserves the integrity of the reading frame. This variant is not present in population databases (gnomAD no frequency). This variant has not been reported in the literature in individuals affected with CAPN3-related conditions. This variant disrupts a region of the CAPN3 protein in which other variant(s) (p.Ser744Gly) have been determined to be pathogenic (PMID: 7720071, 9642272, 9655129). This suggests that this is a clinically significant region of the protein, and that variants that disrupt it are likely to be disease-causing. For these reasons, this variant has been classified as Pathogenic.

Literature cited by the submitters: PubMed 18392839 (cited by Myriad Genetics, Inc.); PubMed 7720071 (cited by Labcorp Genetics (formerly Invitae), Labcorp); PubMed 9642272 (cited by Labcorp Genetics (formerly Invitae), Labcorp); PubMed 9655129 (cited by Labcorp Genetics (formerly Invitae), Labcorp).